The following is an entry in ClinVar:

NM_000179.3(MSH6):c.675T>A (p.Ile225=)

Gene: MSH6 (mutS homolog 6; plus strand). Cytogenetic location: 2p16.3.
Variant type: single nucleotide variant.
Coding change: c.675T>A on transcript NM_000179.3 (MANE Select); coding-DNA position 675, T replaced by A.
Protein change: p.Ile225=; no amino-acid change (isoleucine 225 retained).
Molecular consequence: synonymous variant. On other transcripts: 5 prime UTR variant (2).
Genome position (GRCh38, 1-based): chr2:47,798,658, T>A. VCF-style: chr2-47798658-T-A. GRCh37 (hg19) VCF-style: chr2-48025797-T-A.
Other names: c.285T>A, p.Ile95= (NM_001281492.2); c.-232T>A (NM_001281493.2, NM_001281494.2).
Identifiers: ClinVar variation 826608 (VCV000826608.16), dbSNP rs572317219, ClinGen allele CA46706558.

ClinVar aggregate classification (germline): Benign/Likely benign. Review status: criteria provided, multiple submitters, no conflicts (2 of 4 stars). 4 submissions from 4 submitters: Benign (1); Likely benign (3). Last evaluated 2025-09-24.

Conditions:
Hereditary cancer-predisposing syndrome. Also called: Neoplastic Syndromes, Hereditary; Tumor predisposition; Hereditary neoplastic syndrome; Hereditary Cancer Syndrome. Identifiers: Orphanet 140162, MedGen C0027672, MeSH D009386, MONDO:0015356.
Hereditary nonpolyposis colorectal neoplasms. Identifiers: MedGen C0009405, MeSH D003123.
Lynch syndrome 5 (LYNCH5). Also called: Colorectal cancer, hereditary nonpolyposis, type 5; Hereditary non-polyposis colorectal cancer, type 5. Identifiers: Orphanet 144, MedGen C1833477, MONDO:0013710, OMIM 614350. Disease mechanism: loss of function.

Allele frequency attached by ClinVar (database versions not stated): gnomAD exomes below 0.00001; gnomAD 0.00001; 1000 Genomes Project 0.00020.
gnomAD v4.1: 3 of 1,613,284 alleles (0.00019%); highest among the groups gnomAD compares: East Asian, 0.0067%; no homozygotes.

Submissions (4):

Labcorp Genetics (formerly Invitae), Labcorp
Classification: Likely benign for Hereditary nonpolyposis colorectal neoplasms. Last evaluated: 2025-09-24. Review status: criteria provided, single submitter. Criteria: Invitae Variant Classification Sherloc (09022015). Collection method: clinical testing. Allele origin: germline.

Myriad Genetics, Inc.
Classification: Benign for Lynch syndrome 5. Last evaluated: 2024-12-19. Review status: criteria provided, single submitter. Criteria: Myriad Autosomal Dominant, Autosomal Recessive and X-Linked Classification Criteria (2023). Collection method: clinical testing. Allele origin: unknown.
Comment: This variant is considered benign. This variant is a silent/synonymous amino acid change and it is not expected to impact splicing.

Color Diagnostics, LLC DBA Color Health
Classification: Likely benign for Hereditary cancer-predisposing syndrome. Last evaluated: 2019-09-25. Review status: criteria provided, single submitter. Criteria: ACMG Guidelines, 2015. Collection method: clinical testing. Allele origin: germline.

Ambry Genetics
Classification: Likely benign for Hereditary cancer-predisposing syndrome. Last evaluated: 2019-07-02. Review status: criteria provided, single submitter. Criteria: Ambry Variant Classification Scheme 2023. Collection method: clinical testing. Allele origin: germline.